The following is an entry in ClinVar:

ClinVar aggregate classification (germline): Conflicting classifications of pathogenicity. Review status: criteria provided, conflicting classifications (1 of 4 stars). 4 submissions from 4 submitters: Uncertain significance (3); Likely benign (1). Last evaluated 2025-08-13.

Conditions:
FLNC-related disorder. Also called: FLNC-related disorders; FLNC-related condition.
Cardiovascular phenotype. Identifiers: MedGen CN230736.
Myofibrillar myopathy 5. Also called: Filaminopathy (type); FILAMINOPATHY, AUTOSOMAL DOMINANT. Identifiers: Orphanet 171445, MedGen C1836050, MONDO:0012289, OMIM 609524.
Hypertrophic cardiomyopathy 26. Also called: Cardiomyopathy, familial hypertrophic, 26. Identifiers: Orphanet 75249, MedGen C4310749, MONDO:0014883, OMIM 617047.
Distal myopathy with posterior leg and anterior hand involvement. Also called: WILLIAMS DISTAL MYOPATHY. Identifiers: Orphanet 63273, MedGen C3279722, MONDO:0013550, OMIM 614065.

Allele frequency attached by ClinVar (database versions not stated): TOPMed below 0.00001; ExAC 0.00001; gnomAD 0.00001; gnomAD exomes 0.00001.
gnomAD v4.1: 9 of 1,610,018 alleles (0.00056%); highest among the groups gnomAD compares: East Asian, 0.0089%; no homozygotes.

Submissions (4):

Labcorp Genetics (formerly Invitae), Labcorp
Classification: Likely benign for Distal myopathy with posterior leg and anterior hand involvement; Myofibrillar myopathy 5; Hypertrophic cardiomyopathy 26. Last evaluated: 2025-08-13. Review status: criteria provided, single submitter. Criteria: Invitae Variant Classification Sherloc (09022015). Collection method: clinical testing. Allele origin: germline.

Ambry Genetics
Classification: Uncertain significance for Cardiovascular phenotype. Last evaluated: 2023-07-05. Review status: criteria provided, single submitter. Criteria: Ambry Variant Classification Scheme 2023. Collection method: clinical testing. Allele origin: germline.

PreventionGenetics, part of Exact Sciences
Classification: Uncertain significance for FLNC-related condition. Last evaluated: 2022-08-26. Review status: criteria provided, single submitter. Criteria: ACMG Guidelines, 2015. Collection method: clinical testing. Allele origin: germline.
Comment: The FLNC c.6683G>A variant is predicted to result in the amino acid substitution p.Arg2228Gln. To our knowledge, this variant has not been reported in the literature. This variant is reported in 0.011% of alleles in individuals of East Asian descent in gnomAD. At this time, the clinical significance of this variant is uncertain due to the absence of conclusive functional and genetic evidence.

GeneDx
Classification: Uncertain significance. Last evaluated: 2022-04-15. Review status: criteria provided, single submitter. Criteria: GeneDx Variant Classification Process June 2021. Collection method: clinical testing. Allele origin: germline. Affected: yes.
Comment: Has not been previously published as pathogenic or benign to our knowledge; Not observed at significant frequency in large population cohorts (gnomAD); In silico analysis supports that this missense variant does not alter protein structure/function

NM_001458.5(FLNC):c.6683G>A (p.Arg2228Gln)

Genes: FLNC (filamin C; plus strand), FLNC-AS1 (FLNC antisense RNA 1; minus strand). Cytogenetic location: 7q32.1.
Variant type: single nucleotide variant.
Coding change: c.6683G>A on transcript NM_001458.5 (MANE Select); coding-DNA position 6683, G replaced by A.
Protein change: p.Arg2228Gln; replaces arginine 2228 with glutamine.
Molecular consequence: missense variant.
Genome position (GRCh38, 1-based): chr7:128,854,172, G>A. VCF-style: chr7-128854172-G-A. GRCh37 (hg19) VCF-style: chr7-128494226-G-A.
Other names: c.6584G>A, p.Arg2195Gln (NM_001127487.2); short protein forms R2228Q, R2195Q.
Identifiers: ClinVar variation 539433 (VCV000539433.13), dbSNP rs765438770, ClinGen allele CA4476045.